The following is an entry in ClinVar:

NM_033004.4(NLRP1):c.10G>A (p.Gly4Arg)

Genes: NLRP1 (NLR family pyrin domain containing 1; minus strand), LOC126862475 (CDK7 strongly-dependent group 2 enhancer GRCh37_chr17:5487167-5488366; plus strand). Cytogenetic location: 17p13.2.
Variant type: single nucleotide variant.
Coding change: c.10G>A on transcript NM_033004.4 (MANE Select); coding-DNA position 10, G replaced by A.
Protein change: p.Gly4Arg; replaces glycine 4 with arginine.
Molecular consequence: missense variant.
Genome position (GRCh38, 1-based): chr17:5,583,948, C>T on the plus strand (G>A on the coding strand, the complement: NLRP1 is on the minus strand). VCF-style: chr17-5583948-C-T. GRCh37 (hg19) VCF-style: chr17-5487268-C-T.
Other names: c.10G>A, p.Gly4Arg (NM_001033053.3, NM_014922.5, NM_033006.4 and 1 more transcripts); short protein forms G4R.
Identifiers: ClinVar variation 2210081 (VCV002210081.6), dbSNP rs201312429, ClinGen allele CA8327663.

ClinVar aggregate classification (germline): Uncertain significance. Review status: criteria provided, multiple submitters, no conflicts (2 of 4 stars). 2 submissions from 2 submitters: Uncertain significance (2). Last evaluated 2025-10-06.

Conditions:
Inborn genetic diseases. Identifiers: MedGen C0950123, MeSH D030342.

Allele frequency attached by ClinVar (database versions not stated): TOPMed 0.00001; gnomAD exomes 0.00004; ExAC 0.00004; gnomAD 0.00002.
gnomAD v4.1: 58 of 1,609,008 alleles (0.0036%); highest among the groups gnomAD compares: East Asian, 0.0067%; no homozygotes.

Submissions (2):

Labcorp Genetics (formerly Invitae), Labcorp
Classification: Uncertain significance. Last evaluated: 2025-10-06. Review status: criteria provided, single submitter. Criteria: Invitae Variant Classification Sherloc (09022015). Collection method: clinical testing. Allele origin: germline.
Comment: This sequence change replaces glycine, which is neutral and non-polar, with arginine, which is basic and polar, at codon 4 of the NLRP1 protein (p.Gly4Arg). This variant is present in population databases (rs201312429, gnomAD 0.01%). This variant has not been reported in the literature in individuals affected with NLRP1-related conditions. ClinVar contains an entry for this variant (Variation ID: 2210081). An algorithm developed to predict the effect of missense changes on protein structure and function outputs the following: PolyPhen-2: "Benign". The arginine amino acid residue is found in multiple mammalian species, which suggests that this missense change does not adversely affect protein function. In summary, the available evidence is currently insufficient to determine the role of this variant in disease. Therefore, it has been classified as a Variant of Uncertain Significance.

Ambry Genetics
Classification: Uncertain significance for Inborn genetic diseases. Last evaluated: 2024-08-12. Review status: criteria provided, single submitter. Criteria: Ambry Variant Classification Scheme 2023. Collection method: clinical testing. Allele origin: germline.